The following is an entry in ClinVar:

NM_000039.3(APOA1):c.73G>T (p.Asp25Tyr)

Genes: APOA1 (apolipoprotein A1; minus strand), APOA1-AS (APOA1 antisense RNA; plus strand). Cytogenetic location: 11q23.3.
Variant type: single nucleotide variant.
Coding change: c.73G>T on transcript NM_000039.3 (MANE Select); coding-DNA position 73, G replaced by T.
Protein change: p.Asp25Tyr; replaces aspartic acid 25 with tyrosine.
Molecular consequence: missense variant. On other transcripts: 5 prime UTR variant (1), intron variant (2).
Genome position (GRCh38, 1-based): chr11:116,837,128, C>A on the plus strand (G>T on the coding strand, the complement: APOA1 is on the minus strand). VCF-style: chr11-116837128-C-A. GRCh37 (hg19) VCF-style: chr11-116707844-C-A.
Other names: c.73G>T, p.Asp25Tyr (NM_001425090.1, NM_001425093.1, NM_001318017.2 and 1 more transcripts); c.-255G>T (NM_001425092.1); c.-128+217G>T (NM_001425091.1); c.-240-15G>T (NM_001318021.2); short protein forms D25Y.
Identifiers: ClinVar variation 4709839 (VCV004709839.1).

ClinVar aggregate classification (germline): Uncertain significance (1 of 4 stars; one submission).

Submission:

Labcorp Genetics (formerly Invitae), Labcorp
Classification: Uncertain significance. Last evaluated: 2025-07-24. Review status: criteria provided, single submitter. Criteria: Invitae Variant Classification Sherloc (09022015). Collection method: clinical testing. Allele origin: germline.
Comment: This sequence change replaces aspartic acid, which is acidic and polar, with tyrosine, which is neutral and polar, at codon 25 of the APOA1 protein (p.Asp25Tyr). This variant is not present in population databases (gnomAD no frequency). This variant has not been reported in the literature in individuals affected with APOA1-related conditions. Invitae Evidence Modeling of protein sequence and biophysical properties (such as structural, functional, and spatial information, amino acid conservation, physicochemical variation, residue mobility, and thermodynamic stability) indicates that this missense variant is expected to disrupt APOA1 protein function with a positive predictive value of 95%. In summary, the available evidence is currently insufficient to determine the role of this variant in disease. Therefore, it has been classified as a Variant of Uncertain Significance.